The following is an entry in ClinVar:

NM_182894.3(VSX2):c.599G>C (p.Arg200Pro)

Gene: VSX2 (visual system homeobox 2; plus strand). Cytogenetic location: 14q24.3.
Variant type: single nucleotide variant.
Coding change: c.599G>C on transcript NM_182894.3 (MANE Select); coding-DNA position 599, G replaced by C.
Protein change: p.Arg200Pro; replaces arginine 200 with proline.
Molecular consequence: missense variant.
Genome position (GRCh38, 1-based): chr14:74,259,621, G>C. VCF-style: chr14-74259621-G-C. GRCh37 (hg19) VCF-style: chr14-74726324-G-C.
Other names: short protein forms R200P.
Identifiers: ClinVar variation 14861 (VCV000014861.15), dbSNP rs121912543, ClinGen allele CA124413.

ClinVar aggregate classification (germline): Pathogenic/Likely pathogenic. Review status: criteria provided, multiple submitters, no conflicts (2 of 4 stars). 8 submissions from 7 submitters: Pathogenic (3); Likely pathogenic (2). 3 of the submissions do not count toward it. Last evaluated 2026-06-12.

Conditions:
VSX2-related disorder. Also called: VSX2-related condition.
Isolated microphthalmia 2. Identifiers: Orphanet 2542, MedGen C1864720, MONDO:0012409, OMIM 610093.
Microphthalmia, isolated, with coloboma 3 (MCOPCB3). Also called: MICROPHTHALMIA, COLOBOMATOUS, 3; MICROPHTHALMIA/COLOBOMA 3. Identifiers: Orphanet 98938, MedGen C1864721, MONDO:0012408, OMIM 610092.
Microphthalmia, cataracts, and iris abnormalities. Identifiers: MedGen C1864722.

gnomAD v4.1: 7 of 1,614,142 alleles (0.00043%); highest among the groups gnomAD compares: Middle Eastern, 0.12%; no homozygotes.

Submissions (8):

PreventionGenetics, part of Exact Sciences
Classification: Likely pathogenic for VSX2-related condition. Last evaluated: 2026-06-12. Review status: criteria provided, single submitter. Criteria: ACMG Guidelines, 2015. Collection method: clinical testing. Allele origin: germline.
Comment: The VSX2 c.599G>C variant is predicted to result in the amino acid substitution p.Arg200Pro. This variant has been reported in individuals with autosomal recessive VSX2-related disorders, and functional studies support its pathogenicity (Percin et al. 2000. PubMed ID: 10932181; Faiyaz-Ul-Haque et al. 2007. PubMed ID: 17661825; Barrera et al. 2016. PubMed ID: 27013732). This variant has not been reported in a large population database, indicating this variant is rare. This variant is interpreted as likely pathogenic.

First Genomix Gene Laboratory, Genetic Diagnostics Department
Classification: Pathogenic for Isolated microphthalmia 2; Microphthalmia, isolated, with coloboma 3. Last evaluated: 2025-01-16. Review status: criteria provided, single submitter. Criteria: ACMG Guidelines, 2015. Collection method: clinical testing. Allele origin: germline. Inheritance: Autosomal recessive inheritance. Affected: no. Observed: 1 variant allele.

Revvity Omics, Revvity
Classification: Pathogenic. Last evaluated: 2023-01-05. Review status: criteria provided, single submitter. Criteria: ACMG Guidelines, 2015. Collection method: clinical testing. Allele origin: germline.

GeneDx
Classification: Pathogenic. Last evaluated: 2022-08-01. Review status: criteria provided, single submitter. Criteria: GeneDx Variant Classification Process June 2021. Collection method: clinical testing. Allele origin: germline. Affected: yes.
Comment: Published functional studies demonstrate a damaging effect, impairing the binding of the VSX2 protein to DNA (Percin et al., 2000); Not observed in large population cohorts (gnomAD); In silico analysis supports that this missense variant has a deleterious effect on protein structure/function; This variant is associated with the following publications: (PMID: 11341888, 10932181, 17661825, 27013732, 30264509)

Baylor Genetics
Classification: Likely pathogenic for Microphthalmia, isolated, with coloboma 3. Last evaluated: 2019-09-27. Review status: criteria provided, single submitter. Criteria: ACMG Guidelines, 2015. Collection method: clinical testing. Allele origin: unknown. Affected: yes.
Comment: This variant was determined to be likely pathogenic according to ACMG Guidelines, 2015 [PMID:25741868].

Biochemical Molecular Genetic Laboratory, King Abdulaziz Medical City
Classification: Likely pathogenic for Isolated microphthalmia 2. Last evaluated: 2020-08-07. Review status: no assertion criteria provided. Collection method: clinical testing. Allele origin: germline. Affected: yes. Not counted in ClinVar's aggregate classification.

OMIM
Classification: Pathogenic for MICROPHTHALMIA, CATARACTS, AND IRIS ABNORMALITIES. Last evaluated: 2007-08-01. Review status: no assertion criteria provided. Collection method: literature only. Allele origin: germline. Not counted in ClinVar's aggregate classification.

OMIM
Classification: Pathogenic for MICROPHTHALMIA, ISOLATED 2. Last evaluated: 2007-08-01. Review status: no assertion criteria provided. Collection method: literature only. Allele origin: germline. Not counted in ClinVar's aggregate classification.

Literature cited by the submitters: PubMed 10932181 (cited by OMIM); PubMed 17661825 (cited by OMIM).